The following is an entry in ClinVar:

ClinVar aggregate classification (germline): Conflicting classifications of pathogenicity. Review status: criteria provided, conflicting classifications (1 of 4 stars). 7 submissions from 7 submitters: Uncertain significance (1); Benign (3); Likely benign (2). 1 of the submissions does not count toward it. Last evaluated 2026-02-02.

Conditions:
LTBP4-related disorder. Also called: LTBP4-related condition.
Cutis laxa with severe pulmonary, gastrointestinal and urinary anomalies. Also called: LTBP4-Related Cutis Laxa; Cutis laxa, autosomal recessive, type IC; URBAN-RIFKIN-DAVIS SYNDROME. Identifiers: Orphanet 221145, MedGen C2750804, MONDO:0013170, OMIM 613177. Disease mechanism: loss of function.

Allele frequency attached by ClinVar (database versions not stated): 1000 Genomes Project 30x 0.00062; 1000 Genomes Project 0.00080; ExAC 0.00100; TOPMed 0.00129; gnomAD 0.00131 and 0.00135; ESP Exome Variant Server 0.00139.
gnomAD v4.1: 1,272 of 1,613,978 alleles (0.079%); highest among the groups gnomAD compares: African/African-American, 0.28%; 8 homozygotes.

Submissions (7):

Labcorp Genetics (formerly Invitae), Labcorp
Classification: Benign. Last evaluated: 2026-02-02. Review status: criteria provided, single submitter. Criteria: Invitae Variant Classification Sherloc (09022015). Collection method: clinical testing. Allele origin: germline.

CeGaT Center for Human Genetics Tuebingen
Classification: Likely benign. Last evaluated: 2025-04-01. Review status: criteria provided, single submitter. Criteria: CeGaT Center For Human Genetics Tuebingen Variant Classification Criteria Version 2. Collection method: clinical testing. Allele origin: germline. Affected: yes. Observed: 2 variant alleles.
Comment: LTBP4: BS1

Blueprint Genetics
Classification: Likely benign. Last evaluated: 2024-11-27. Review status: criteria provided, single submitter. Criteria: ACMG Guidelines, 2015. Collection method: clinical testing. Allele origin: germline.

GeneDx
Classification: Benign. Last evaluated: 2022-07-14. Review status: criteria provided, single submitter. Criteria: GeneDx Variant Classification Process June 2021. Collection method: clinical testing. Allele origin: germline. Affected: yes.
Comment: See Variant Classification Assertion Criteria.

Dubai Health Genomic Medicine Center, Dubai Health
Classification: Benign for Cutis laxa with severe pulmonary, gastrointestinal and urinary anomalies. Last evaluated: 2020-04-02. Review status: criteria provided, single submitter. Criteria: ACMG Guidelines, 2015. Collection method: clinical testing. Allele origin: germline. Affected: yes.

Illumina Laboratory Services, Illumina
Classification: Uncertain significance for Cutis laxa with severe pulmonary, gastrointestinal and urinary anomalies. Last evaluated: 2018-01-12. Review status: criteria provided, single submitter. Criteria: ICSL Variant Classification Criteria 13 December 2019. Collection method: clinical testing. Allele origin: germline.

PreventionGenetics, part of Exact Sciences
Classification: Benign for LTBP4-related condition. Last evaluated: 2020-06-11. Review status: no assertion criteria provided. Collection method: clinical testing. Allele origin: germline. Not counted in ClinVar's aggregate classification.
Comment: This variant is classified as benign based on ACMG/AMP sequence variant interpretation guidelines (Richards et al. 2015 PMID: 25741868, with internal and published modifications).

NM_001042545.2(LTBP4):c.2909C>G (p.Pro970Arg)

Gene: LTBP4 (latent transforming growth factor beta binding protein 4; plus strand). Cytogenetic location: 19q13.2.
Variant type: single nucleotide variant.
Coding change: c.2909C>G on transcript NM_001042545.2 (MANE Select); coding-DNA position 2909, C replaced by G.
Protein change: p.Pro970Arg; replaces proline 970 with arginine.
Molecular consequence: missense variant.
Genome position (GRCh38, 1-based): chr19:40,616,985, C>G. VCF-style: chr19-40616985-C-G. GRCh37 (hg19) VCF-style: chr19-41122891-C-G.
Other names: c.3110C>G, p.Pro1037Arg (NM_001042544.1); c.2999C>G, p.Pro1000Arg (NM_003573.2); short protein forms P970R, P1000R, P1037R.
Identifiers: ClinVar variation 329322 (VCV000329322.40), dbSNP rs200667255, ClinGen allele CA9448822.